The following is an entry in ClinVar:

ClinVar aggregate classification (germline): Uncertain significance. Review status: criteria provided, multiple submitters, no conflicts (2 of 4 stars). 2 submissions from 2 submitters: Uncertain significance (2). Last evaluated 2026-01-12.

Conditions:
Primary ciliary dyskinesia. Also called: Ciliary dyskinesia. Identifiers: Orphanet 244, MedGen C0008780, MONDO:0016575, HP:0012265.

Allele frequency attached by ClinVar (database versions not stated): gnomAD 0.00001; gnomAD exomes 0.00002; TOPMed 0.00002; ExAC 0.00004; ESP Exome Variant Server 0.00008.
gnomAD v4.1: 30 of 1,614,054 alleles (0.0019%); highest among the groups gnomAD compares: Non-Finnish European, 0.0024%; no homozygotes.

Submissions (2):

Labcorp Genetics (formerly Invitae), Labcorp
Classification: Uncertain significance for Primary ciliary dyskinesia. Last evaluated: 2026-01-12. Review status: criteria provided, single submitter. Criteria: Invitae Variant Classification Sherloc (09022015). Collection method: clinical testing. Allele origin: germline.
Comment: This sequence change replaces aspartic acid, which is acidic and polar, with alanine, which is neutral and non-polar, at codon 138 of the CCDC103 protein (p.Asp138Ala). This variant is present in population databases (rs372407548, gnomAD 0.005%). This variant has not been reported in the literature in individuals affected with CCDC103-related conditions. ClinVar contains an entry for this variant (Variation ID: 455028). An algorithm developed to predict the effect of missense changes on protein structure and function (PolyPhen-2) suggests that this variant is likely to be disruptive. In summary, the available evidence is currently insufficient to determine the role of this variant in disease. Therefore, it has been classified as a Variant of Uncertain Significance.

CeGaT Center for Human Genetics Tuebingen
Classification: Uncertain significance. Last evaluated: 2021-06-01. Review status: criteria provided, single submitter. Criteria: CeGaT Center For Human Genetics Tuebingen Variant Classification Criteria Version 2. Collection method: clinical testing. Allele origin: germline. Affected: yes. Observed: 1 variant allele.

NM_213607.3(DNAAF19):c.413A>C (p.Asp138Ala)

Gene: DNAAF19 (dynein axonemal assembly factor 19; plus strand). Cytogenetic location: 17q21.31.
Variant type: single nucleotide variant.
Coding change: c.413A>C on transcript NM_213607.3 (MANE Select); coding-DNA position 413, A replaced by C.
Protein change: p.Asp138Ala; replaces aspartic acid 138 with alanine.
Molecular consequence: missense variant. On other transcripts: 3 prime UTR variant (3).
Genome position (GRCh38, 1-based): chr17:44,902,501, A>C. VCF-style: chr17-44902501-A-C. GRCh37 (hg19) VCF-style: chr17-42979869-A-C.
Other names: c.413A>C, p.Asp138Ala (NM_001258395.2, NM_001258396.2); c.*163A>C (NM_001258397.3); c.*102A>C (NM_001258398.3, NM_001258399.2); short protein forms D138A.
Identifiers: ClinVar variation 455028 (VCV000455028.40), dbSNP rs372407548, ClinGen allele CA8608370.
Genomic context (GRCh38, chr17:44,902,501, plus strand): 5'-AGCGCTACCAGGCTCTACTGCAGCTTGGGGGTCCAAGGCTCGGCTGCCTCTTCCAGACAG[A>C]TGTGGGATTTGGACTTCTTGGGGAGCTGCTGGTGGCACTGGCTGATCACGTGGGGCCGGC-3'
Protein context (NP_998772.1, residues 128-148): GPRLGCLFQT[Asp138Ala]VGFGLLGELL